The following is an entry in ClinVar:

ClinVar aggregate classification (germline): Uncertain significance (1 of 4 stars; one submission).

Conditions:
ABCA4-related disorder. Also called: ABCA4-related condition; ABCA4-related disorders. Identifiers: MedGen CN239167.

Submission:

3billion
Classification: Uncertain significance for ABCA4-related disorder. Last evaluated: 2025-12-15. Review status: criteria provided, single submitter. Criteria: ACMG Guidelines, 2015. Collection method: clinical testing. Allele origin: germline. Affected: yes.
Comment: The variant is not observed in the gnomAD v4.1.0 dataset. Predicted Consequence/Location: Missense variant In silico tool predictions suggest damaging effect of the variant on gene or gene product [REVEL: 0.88 (>=0.6, sensitivity 0.68 and specificity 0.92); 3Cnet: 0.86 (> 0.75, sensitivity 0.96 and precision 0.92)]. Different missense changes at the same codon (p.His776Arg, p.His776Gln) have been reported to be associated with ABCA4-related disorder (ClinVar ID: VCV002072531 /PMID: 36284460). However the evidence of pathogenicity is insufficient at this time. Therefore, this variant is classified as VUS according to the recommendation of ACMG/AMP guideline.

Literature cited by the submitters: PubMed 36284460.

NM_000350.3(ABCA4):c.2327A>C (p.His776Pro)

Gene: ABCA4 (ATP binding cassette subfamily A member 4; minus strand). Cytogenetic location: 1p22.1.
Variant type: single nucleotide variant.
Coding change: c.2327A>C on transcript NM_000350.3 (MANE Select); coding-DNA position 2327, A replaced by C.
Protein change: p.His776Pro; replaces histidine 776 with proline.
Molecular consequence: missense variant. On other transcripts: intron variant (1).
Genome position (GRCh38, 1-based): chr1:94,056,656, T>G on the plus strand (A>C on the coding strand, the complement: ABCA4 is on the minus strand). VCF-style: chr1-94056656-T-G. GRCh37 (hg19) VCF-style: chr1-94522212-T-G.
Other names: c.2161-1341A>C (NM_001425324.1); short protein forms H776P.
Identifiers: ClinVar variation 4855948 (VCV004855948.1).